The following is an entry in ClinVar:

ClinVar aggregate classification (germline): Benign/Likely benign. Review status: criteria provided, multiple submitters, no conflicts (2 of 4 stars). 6 submissions from 6 submitters: Benign (2); Likely benign (4). Last evaluated 2026-02-01.

Conditions:
Age related macular degeneration 1 (ARMD1). Also called: MACULOPATHY, AGE-RELATED, 1. Identifiers: MedGen C1864205, MONDO:0011285, OMIM 603075.

Allele frequency attached by ClinVar (database versions not stated): 1000 Genomes Project 0.00060; 1000 Genomes Project 30x 0.00062; ExAC 0.00175; gnomAD 0.00210 and 0.00222; TOPMed 0.00224; ESP Exome Variant Server 0.00231.
gnomAD v4.1: 4,293 of 1,613,524 alleles (0.27%); highest among the groups gnomAD compares: Non-Finnish European, 0.32%; 7 homozygotes.

Submissions (6):

Labcorp Genetics (formerly Invitae), Labcorp
Classification: Benign. Last evaluated: 2026-02-01. Review status: criteria provided, single submitter. Criteria: Invitae Variant Classification Sherloc (09022015). Collection method: clinical testing. Allele origin: germline.

Blueprint Genetics
Classification: Likely benign. Last evaluated: 2024-11-15. Review status: criteria provided, single submitter. Criteria: ACMG Guidelines, 2015. Collection method: clinical testing. Allele origin: germline.

Genome-Nilou Lab
Classification: Benign for Age related macular degeneration 1. Last evaluated: 2023-04-11. Review status: criteria provided, single submitter. Criteria: ACMG Guidelines, 2015. Collection method: clinical testing. Allele origin: germline. Affected: no.

CeGaT Center for Human Genetics Tuebingen
Classification: Likely benign. Last evaluated: 2023-03-01. Review status: criteria provided, single submitter. Criteria: CeGaT Center For Human Genetics Tuebingen Variant Classification Criteria Version 2. Collection method: clinical testing. Allele origin: germline. Affected: yes. Observed: 2 variant alleles.
Comment: HMCN1: BP4, BP7

Illumina Laboratory Services, Illumina
Classification: Likely benign for Age related macular degeneration 1. Last evaluated: 2018-01-13. Review status: criteria provided, single submitter. Criteria: ICSL Variant Classification Criteria 13 December 2019. Collection method: clinical testing. Allele origin: germline.
Comment: This variant was observed in the ICSL laboratory as part of a predisposition screen in an ostensibly healthy population. It had not been previously curated by ICSL or reported in the Human Gene Mutation Database (HGMD: prior to June 1st, 2018), and was therefore a candidate for classification through an automated scoring system. Utilizing variant allele frequency, disease prevalence and penetrance estimates, and inheritance mode, an automated score was calculated to assess if this variant is too frequent to cause the disease. Based on the score and internal cut-off values, a variant classified as likely benign is not then subjected to further curation. The score for this variant resulted in a classification of likely benign for this disease.

Breakthrough Genomics
Classification: Likely benign. Review status: criteria provided, single submitter. Criteria: ACMG Guidelines, 2015. Collection method: not provided. Allele origin: germline. Inheritance: Autosomal dominant inheritance. Affected: yes.

NM_031935.3(HMCN1):c.5070A>T (p.Ile1690=)

Gene: HMCN1 (hemicentin 1; plus strand). Cytogenetic location: 1q31.1.
Variant type: single nucleotide variant.
Coding change: c.5070A>T on transcript NM_031935.3 (MANE Select); coding-DNA position 5070, A replaced by T.
Protein change: p.Ile1690=; no amino-acid change (isoleucine 1690 retained).
Molecular consequence: synonymous variant.
Genome position (GRCh38, 1-based): chr1:186,016,118, A>T. VCF-style: chr1-186016118-A-T. GRCh37 (hg19) VCF-style: chr1-185985250-A-T.
Identifiers: ClinVar variation 294160 (VCV000294160.40), dbSNP rs141581919, ClinGen allele CA1292174.